The following is an entry in ClinVar:

NM_000540.3(RYR1):c.11416G>A (p.Gly3806Arg)

Gene: RYR1 (ryanodine receptor 1; plus strand). Cytogenetic location: 19q13.2.
Variant type: single nucleotide variant.
Coding change: c.11416G>A on transcript NM_000540.3 (MANE Select); coding-DNA position 11416, G replaced by A.
Protein change: p.Gly3806Arg; replaces glycine 3806 with arginine.
Molecular consequence: missense variant.
Genome position (GRCh38, 1-based): chr19:38,535,197, G>A. VCF-style: chr19-38535197-G-A. GRCh37 (hg19) VCF-style: chr19-39025837-G-A.
Other names: NM_000540.3:c.11416G>A; c.11401G>A, p.Gly3801Arg (NM_001042723.2); short protein forms G3801R, G3806R.
Identifiers: ClinVar variation 1120230 (VCV001120230.4), dbSNP rs111565359, ClinGen allele CA308085802.
Genomic context (GRCh38, chr19:38,535,197, plus strand): 5'-CCAGGAGAGACAGGTGCCATGGTGTCCTCCACCCTGAAGCTGGGCATCTCCATCCTCAAT[G>A]GAGGCAATGCTGAGGTCCAGCAGGTAACAGAGGCAAAGGGACTTCAGAAGAAGGCAAGGA-3'
Protein context (NP_000531.2, residues 3796-3816): TLKLGISILN[Gly3806Arg]GNAEVQQKML

ClinVar aggregate classification (germline): Uncertain significance (3 of 4 stars; one submission).

Conditions:
Malignant hyperthermia of anesthesia. Also called: Anesthesic-triggered malignant hyperthermia. Identifiers: Orphanet 423, MedGen C0024591, MONDO:0018493, HP:0034733.

Allele frequency attached by ClinVar (database versions not stated): gnomAD exomes below 0.00001.
gnomAD v4.1: 2 of 1,614,134 alleles (0.00012%); highest among the groups gnomAD compares: Non-Finnish European, 0.00017%; no homozygotes.

Submission:

ClinGen Malignant Hyperthermia Susceptibility Variant Curation Expert Panel, ClinGen
Classification: Uncertain significance for Malignant hyperthermia of anesthesia. Last evaluated: 2025-08-01. Review status: reviewed by expert panel. Criteria: ClinGen MHS ACMG Specifications V2. Collection method: curation. Allele origin: germline. Inheritance: Autosomal dominant inheritance.
Comment: This pathogenicity assessment is relevant only for malignant hyperthermia susceptibility (MHS) inherited in an autosomal dominant pattern. Variants in RYR1 can also cause other myopathies inherited in an autosomal dominant pattern or in an autosomal recessive pattern. Some of these disorders may predispose individuals to malignant hyperthermia. RYR1 variants may also contribute to a malignant hyperthermia reaction in combination with other genetic and non-genetic factors and the clinician needs to consider such factors in making management decisions. This sequence variant predicts a substitution of glycine with arginine at codon 3806 of the RYR1 protein, p.(Gly3806Arg). This variant was not present in a large population database (gnomAD) at the time this variant was interpreted. This variant has been reported in an individual with a personal or family history of an MH episode and a positive in vitro contracture test (IVCT) or caffeine halothane contracture test (CHCT) result (if the proband was unavailable for testing, a positive diagnostic test result in a mutation-positive relative was counted), PS4_Supporting (PMID:19191329). No functional studies were identified for this variant. This variant segregates with MHS in 4 individuals, PP1 (PMID:19191329). A REVEL score >0.85 (0.933) supports a pathogenic status for this variant, PP3_Moderate. This variant has been classified as a Variant of Unknown Significance. Criteria implemented: PS4_Supporting, PP1, PP3_Moderate.